The following is an entry in ClinVar:

ClinVar aggregate classification (germline): Benign. Review status: criteria provided, multiple submitters, no conflicts (2 of 4 stars). 3 submissions from 3 submitters: Benign (2). 1 of the submissions does not count toward it. Last evaluated 2026-05-11.

Conditions:
RREB1-related disorder. Also called: RREB1-related condition.

Allele frequency attached by ClinVar (database versions not stated): gnomAD exomes 0.00444; ESP Exome Variant Server 0.00250; 1000 Genomes Project 0.00300; gnomAD 0.00309; ExAC 0.00955; 1000 Genomes Project 30x 0.00297; TOPMed 0.00410.
gnomAD v4.1: 6,657 of 1,470,258 alleles (0.45%); highest among the groups gnomAD compares: Middle Eastern, 1.5%; 25 homozygotes.

Submissions (3):

Women's Health and Genetics/Laboratory Corporation of America, LabCorp
Classification: Benign. Last evaluated: 2026-05-11. Review status: criteria provided, single submitter. Criteria: LabCorp Variant Classification Summary - May 2015. Collection method: clinical testing. Allele origin: germline.

Labcorp Genetics (formerly Invitae), Labcorp
Classification: Benign. Last evaluated: 2019-12-31. Review status: criteria provided, single submitter. Criteria: Invitae Variant Classification Sherloc (09022015). Collection method: clinical testing. Allele origin: germline.

PreventionGenetics, part of Exact Sciences
Classification: Benign for RREB1-related condition. Last evaluated: 2019-08-15. Review status: no assertion criteria provided. Collection method: clinical testing. Allele origin: germline. Not counted in ClinVar's aggregate classification.
Comment: This variant is classified as benign based on ACMG/AMP sequence variant interpretation guidelines (Richards et al. 2015 PMID: 25741868, with internal and published modifications).

NM_001003699.4(RREB1):c.3974-9G>A

Gene: RREB1 (ras responsive element binding protein 1; plus strand). Cytogenetic location: 6p24.3.
Variant type: single nucleotide variant.
Coding change: c.3974-9G>A on transcript NM_001003699.4 (MANE Select); 9 bases into the intron before coding-DNA position 3974, G replaced by A.
Molecular consequence: intron variant.
Genome position (GRCh38, 1-based): chr6:7,246,415, G>A. VCF-style: chr6-7246415-G-A. GRCh37 (hg19) VCF-style: chr6-7246648-G-A.
Other names: c.3809-9G>A (NM_001168344.2, NM_001003698.4); c.3974-2096G>A (NM_001003700.2).
Identifiers: ClinVar variation 788728 (VCV000788728.7), dbSNP rs149294211, ClinGen allele CA3626356.